The following is an entry in ClinVar:

ClinVar aggregate classification (germline): Pathogenic (1 of 4 stars; one submission).

Conditions:
Hereditary cancer-predisposing syndrome. Also called: Tumor predisposition; Hereditary neoplastic syndrome; Hereditary Cancer Syndrome; Neoplastic Syndromes, Hereditary. Identifiers: Orphanet 140162, MedGen C0027672, MeSH D009386, MONDO:0015356.

Submission:

Ambry Genetics
Classification: Pathogenic for Hereditary cancer-predisposing syndrome. Last evaluated: 2023-12-27. Review status: criteria provided, single submitter. Criteria: Ambry Variant Classification Scheme 2023. Collection method: clinical testing. Allele origin: germline.
Comment: The c.1958G>C pathogenic mutation (also known as p.R653T), located in coding exon 14 of the APC gene, results from a G to C substitution at nucleotide position 1958. The amino acid change results in arginine to threonine at codon 653, an amino acid with similar properties. However, this change occurs in the last base pair of coding exon 14, which makes it likely to have some effect on normal mRNA splicing. This nucleotide position is highly conserved in available vertebrate species. In silico splice site analysis predicts that this alteration will weaken the native splice donor site. RNA studies have demonstrated that this alteration results in abnormal splicing in the set of samples tested (Ambry internal data). This alteration has been observed in at least one individual with a personal and/or family history that is consistent with APC-related disease (Ambry internal data). This variant is considered to be rare based on population cohorts in the Genome Aggregation Database (gnomAD). Based on the supporting evidence, this alteration is interpreted as a disease-causing mutation.

NM_000038.6(APC):c.1958G>C (p.Arg653Thr)

Gene: APC (APC regulator of Wnt signaling pathway; plus strand). Cytogenetic location: 5q22.2.
Variant type: single nucleotide variant.
Coding change: c.1958G>C on transcript NM_000038.6 (MANE Select); coding-DNA position 1958, G replaced by C.
Protein change: p.Arg653Thr; replaces arginine 653 with threonine.
Molecular consequence: missense variant. On other transcripts: non-coding transcript variant (2).
Genome position (GRCh38, 1-based): chr5:112,835,165, G>C. VCF-style: chr5-112835165-G-C. GRCh37 (hg19) VCF-style: chr5-112170862-G-C.
Other names: c.1958G>C, p.Arg653Thr (NM_001127510.3, NM_001354895.2, NM_001407450.1); c.1904G>C, p.Arg635Thr (NM_001127511.3); c.2012G>C, p.Arg671Thr (NM_001354896.2, NM_001407447.1, NM_001407448.1 and 1 more transcripts); c.1988G>C, p.Arg663Thr (NM_001354897.2); c.1883G>C, p.Arg628Thr (NM_001354898.2); c.1874G>C, p.Arg625Thr (NM_001354899.2); c.1835G>C, p.Arg612Thr (NM_001354900.2); c.1781G>C, p.Arg594Thr (NM_001354901.2, NM_001407453.1); and 11 more; short protein forms R552T, R562T, R570T, R594T, R612T, R625T, R628T, R635T.
Identifiers: ClinVar variation 3222705 (VCV003222705.1), dbSNP rs1060503318, ClinGen allele CA16025597.